The following is an entry in ClinVar:

NM_002693.3(POLG):c.3556G>A (p.Asp1186Asn)

Gene: POLG (DNA polymerase gamma, catalytic subunit; minus strand). Cytogenetic location: 15q26.1.
Variant type: single nucleotide variant.
Coding change: c.3556G>A on transcript NM_002693.3 (MANE Select); coding-DNA position 3556, G replaced by A.
Protein change: p.Asp1186Asn; replaces aspartic acid 1186 with asparagine.
Molecular consequence: missense variant.
Genome position (GRCh38, 1-based): chr15:89,317,463, C>T on the plus strand (G>A on the coding strand, the complement: POLG is on the minus strand). VCF-style: chr15-89317463-C-T. GRCh37 (hg19) VCF-style: chr15-89860694-C-T.
Other names: c.3556G>A, p.Asp1186Asn (NM_001126131.2); short protein forms D1186N.
Identifiers: ClinVar variation 1018124 (VCV001018124.9), dbSNP rs2055310876, ClinGen allele CA393747601.
Genomic context (GRCh38, chr15:89,317,463, plus strand): 5'-TCCCAGTTGGGTTGGAAGGGGTTTTACAATCCATGGTCACTTCCTTCCTGAGGCACCGGT[C>T]AATATCGACTGCACTGAAAAAGGCGACTGACTGGGGCAAGTCATTCAGACCCAGCTTGTA-3'
Protein context (NP_002684.1, residues 1176-1196): SVAFFSAVDI[Asp1186Asn]RCLRKEVTMD

ClinVar aggregate classification (germline): Uncertain significance (1 of 4 stars; one submission).

Conditions:
Progressive sclerosing poliodystrophy (MTDPS4A). Also called: ALPERS PROGRESSIVE INFANTILE POLIODYSTROPHY; ALPERS DIFFUSE DEGENERATION OF CEREBRAL GRAY MATTER WITH HEPATIC CIRRHOSIS; Alpers-Huttenlocher Syndrome; NEURONAL DEGENERATION OF CHILDHOOD WITH LIVER DISEASE, PROGRESSIVE; Alpers Syndrome; Mitochondrial DNA Depletion Syndrome 4A. Identifiers: Orphanet 726, MedGen C0205710, MONDO:0008758, OMIM 203700.

gnomAD v4.1: 2 of 1,614,052 alleles (0.00012%); highest among the groups gnomAD compares: Non-Finnish European, 0.00017%; no homozygotes.

Submission:

Labcorp Genetics (formerly Invitae), Labcorp
Classification: Uncertain significance for Progressive sclerosing poliodystrophy. Last evaluated: 2020-06-17. Review status: criteria provided, single submitter. Criteria: Invitae Variant Classification Sherloc (09022015). Collection method: clinical testing. Allele origin: germline.
Comment: In summary, the available evidence is currently insufficient to determine the role of this variant in disease. Therefore, it has been classified as a Variant of Uncertain Significance. Algorithms developed to predict the effect of missense changes on protein structure and function are either unavailable or do not agree on the potential impact of this missense change (SIFT: "Deleterious"; PolyPhen-2: "Probably Damaging"; Align-GVGD: "Class C15"). This variant has not been reported in the literature in individuals with POLG-related conditions. This variant is not present in population databases (ExAC no frequency). This sequence change replaces aspartic acid with asparagine at codon 1186 of the POLG protein (p.Asp1186Asn). The aspartic acid residue is highly conserved and there is a small physicochemical difference between aspartic acid and asparagine.